The following is an entry in ClinVar:

NM_001035.3(RYR2):c.7231G>T (p.Ala2411Ser)

Gene: RYR2 (ryanodine receptor 2; plus strand). Cytogenetic location: 1q43.
Variant type: single nucleotide variant.
Coding change: c.7231G>T on transcript NM_001035.3 (MANE Select); coding-DNA position 7231, G replaced by T.
Protein change: p.Ala2411Ser; replaces alanine 2411 with serine.
Molecular consequence: missense variant.
Genome position (GRCh38, 1-based): chr1:237,643,336, G>T. VCF-style: chr1-237643336-G-T. GRCh37 (hg19) VCF-style: chr1-237806636-G-T.
Other names: short protein forms A2411S.
Identifiers: ClinVar variation 4767676 (VCV004767676.1).
Genomic context (GRCh38, chr1:237,643,336, plus strand): 5'-GTAACATTGATGTCACAAAGTTGTTCTAATGTTTTTTTTTCCCCTGTATAGTTGATTCAT[G>T]CCGGGAAGGGAGAAGCCATCAGAATTAGGTCCATTTTGAGATCCCTCATTCCCCTGGGAG-3'
Protein context (NP_001026.2, residues 2401-2421): RCAPEMHLIH[Ala2411Ser]GKGEAIRIRS

ClinVar aggregate classification (germline): Uncertain significance (1 of 4 stars; one submission).

Conditions:
Catecholaminergic polymorphic ventricular tachycardia 1. Also called: RYR2-Related Catecholaminergic Polymorphic Ventricular Tachycardia; VENTRICULAR TACHYCARDIA, STRESS-INDUCED POLYMORPHIC 1; VENTRICULAR TACHYCARDIA, CATECHOLAMINERGIC POLYMORPHIC, 1, WITH OR WITHOUT ATRIAL DYSFUNCTION AND/OR DILATED CARDIOMYOPATHY. Identifiers: Orphanet 3286, MedGen C1631597, MONDO:0011484, OMIM 604772.

gnomAD v4.1: 1 of 1,613,362 alleles (0.000062%); highest among the groups gnomAD compares: Admixed American, 0.0017%; no homozygotes.

Submission:

Labcorp Genetics (formerly Invitae), Labcorp
Classification: Uncertain significance for Catecholaminergic polymorphic ventricular tachycardia 1. Last evaluated: 2025-02-27. Review status: criteria provided, single submitter. Criteria: Invitae Variant Classification Sherloc (09022015). Collection method: clinical testing. Allele origin: germline.
Comment: This sequence change replaces alanine, which is neutral and non-polar, with serine, which is neutral and polar, at codon 2411 of the RYR2 protein (p.Ala2411Ser). This variant is not present in population databases (gnomAD no frequency). This variant has not been reported in the literature in individuals affected with RYR2-related conditions. Invitae Evidence Modeling of protein sequence and biophysical properties (such as structural, functional, and spatial information, amino acid conservation, physicochemical variation, residue mobility, and thermodynamic stability) indicates that this missense variant is not expected to disrupt RYR2 protein function with a negative predictive value of 95%. In summary, the available evidence is currently insufficient to determine the role of this variant in disease. Therefore, it has been classified as a Variant of Uncertain Significance.